The following is an entry in ClinVar:

NM_000095.3(COMP):c.805G>C (p.Asp269His)

Gene: COMP (cartilage oligomeric matrix protein; minus strand). Cytogenetic location: 19p13.11.
Variant type: single nucleotide variant.
Coding change: c.805G>C on transcript NM_000095.3 (MANE Select); coding-DNA position 805, G replaced by C.
Protein change: p.Asp269His; replaces aspartic acid 269 with histidine.
Molecular consequence: missense variant.
Genome position (GRCh38, 1-based): chr19:18,788,472, C>G on the plus strand (G>C on the coding strand, the complement: COMP is on the minus strand). VCF-style: chr19-18788472-C-G. GRCh37 (hg19) VCF-style: chr19-18899281-C-G.
Other names: short protein forms D269H.
Identifiers: ClinVar variation 2839665 (VCV002839665.3), dbSNP rs2145903436, ClinGen allele CA404892800.

ClinVar aggregate classification (germline): Uncertain significance (1 of 4 stars; one submission).

Submission:

Labcorp Genetics (formerly Invitae), Labcorp
Classification: Uncertain significance. Last evaluated: 2023-02-22. Review status: criteria provided, single submitter. Criteria: Invitae Variant Classification Sherloc (09022015). Collection method: clinical testing. Allele origin: germline.
Comment: In summary, the available evidence is currently insufficient to determine the role of this variant in disease. Therefore, it has been classified as a Variant of Uncertain Significance. This variant disrupts the p.Asp269 amino acid residue in COMP. Other variant(s) that disrupt this residue have been determined to be pathogenic (PMID: 24595329, 28044000). This suggests that this residue is clinically significant, and that variants that disrupt this residue are likely to be disease-causing. Advanced modeling of protein sequence and biophysical properties (such as structural, functional, and spatial information, amino acid conservation, physicochemical variation, residue mobility, and thermodynamic stability) performed at Invitae indicates that this missense variant is expected to disrupt COMP protein function. This variant has not been reported in the literature in individuals affected with COMP-related conditions. This variant is not present in population databases (gnomAD no frequency). This sequence change replaces aspartic acid, which is acidic and polar, with histidine, which is basic and polar, at codon 269 of the COMP protein (p.Asp269His).

Literature cited by the submitters: PubMed 24595329; PubMed 28044000.